The following is an entry in ClinVar:

ClinVar aggregate classification (germline): Uncertain significance. Review status: criteria provided, multiple submitters, no conflicts (2 of 4 stars). 2 submissions from 2 submitters: Uncertain significance (2). Last evaluated 2025-10-14.

Conditions:
CHARGE syndrome (CHARGE). Also called: Hittner Hirsch Kreh syndrome; CHARGE ASSOCIATION--COLOBOMA, HEART ANOMALY, CHOANAL ATRESIA, RETARDATION, GENITAL AND EAR ANOMALIES; Coloboma, heart anomaly, choanal atresia, retardation, genital and ear anomalies; CHARGE association; Hall-Hittner syndrome. Identifiers: Orphanet 138, MedGen C0265354, MONDO:0008965.

Submissions (2):

Labcorp Genetics (formerly Invitae), Labcorp
Classification: Uncertain significance for CHARGE syndrome. Last evaluated: 2025-10-14. Review status: criteria provided, single submitter. Criteria: Invitae Variant Classification Sherloc (09022015). Collection method: clinical testing. Allele origin: germline.
Comment: This sequence change replaces glycine, which is neutral and non-polar, with alanine, which is neutral and non-polar, at codon 283 of the CHD7 protein (p.Gly283Ala). This variant is not present in population databases (gnomAD no frequency). This variant has not been reported in the literature in individuals affected with CHD7-related conditions. Invitae Evidence Modeling of protein sequence and biophysical properties (such as structural, functional, and spatial information, amino acid conservation, physicochemical variation, residue mobility, and thermodynamic stability) indicates that this missense variant is not expected to disrupt CHD7 protein function with a negative predictive value of 95%. In summary, the available evidence is currently insufficient to determine the role of this variant in disease. Therefore, it has been classified as a Variant of Uncertain Significance.

Dasa
Classification: Uncertain significance for CHARGE syndrome. Last evaluated: 2024-11-12. Review status: criteria provided, single submitter. Criteria: DASA Assertion Criteria. Collection method: clinical testing. Allele origin: germline.
Comment: NM_017780.4(CHD7):c.848G>C (p.Gly283Ala) is a missense variant that results in the substitution of glycine with alanine. This variant is absent from population databases. Computational prediction algorithms are consistent with a benign effect. The currently available literature and clinical evidence are not sufficient to establish a definitive association between this variant and the reported condition. Therefore, this variant is classified as a variant of uncertain significance.

NM_017780.4(CHD7):c.848G>C (p.Gly283Ala)

Gene: CHD7 (chromodomain helicase DNA binding protein 7; plus strand). Cytogenetic location: 8q12.2.
Variant type: single nucleotide variant.
Coding change: c.848G>C on transcript NM_017780.4 (MANE Select); coding-DNA position 848, G replaced by C.
Protein change: p.Gly283Ala; replaces glycine 283 with alanine.
Molecular consequence: missense variant.
Genome position (GRCh38, 1-based): chr8:60,742,280, G>C. VCF-style: chr8-60742280-G-C. GRCh37 (hg19) VCF-style: chr8-61654839-G-C.
Other names: c.848G>C, p.Gly283Ala (NM_001316690.1); short protein forms G283A.
Identifiers: ClinVar variation 4802743 (VCV004802743.3).